The following is an entry in ClinVar:

NM_177438.3(DICER1):c.1751A>T (p.Lys584Met)

Gene: DICER1 (dicer 1, ribonuclease III; minus strand). Cytogenetic location: 14q32.13.
Variant type: single nucleotide variant.
Coding change: c.1751A>T on transcript NM_177438.3 (MANE Select); coding-DNA position 1751, A replaced by T.
Protein change: p.Lys584Met; replaces lysine 584 with methionine.
Molecular consequence: missense variant. On other transcripts: non-coding transcript variant (6).
Genome position (GRCh38, 1-based): chr14:95,116,454, T>A on the plus strand (A>T on the coding strand, the complement: DICER1 is on the minus strand). VCF-style: chr14-95116454-T-A. GRCh37 (hg19) VCF-style: chr14-95582791-T-A.
Other names: c.1751A>T, p.Lys584Met (NM_001195573.1, NM_001271282.3, NM_001291628.2 and 12 more transcripts); c.1469A>T, p.Lys490Met (NM_001395686.1); c.1346A>T, p.Lys449Met (NM_001395687.1, NM_001395688.1, NM_001395689.1 and 3 more transcripts); c.1184A>T, p.Lys395Met (NM_001395691.1); c.68A>T, p.Lys23Met (NM_001395697.1); short protein forms K490M, K23M, K395M, K449M, K584M.
Identifiers: ClinVar variation 3501960 (VCV003501960.1).

ClinVar aggregate classification (germline): Uncertain significance (1 of 4 stars; one submission).

Conditions:
Hereditary cancer-predisposing syndrome. Also called: Tumor predisposition; Neoplastic Syndromes, Hereditary; Hereditary Cancer Syndrome; Hereditary neoplastic syndrome. Identifiers: Orphanet 140162, MedGen C0027672, MeSH D009386, MONDO:0015356.

Submission:

Ambry Genetics
Classification: Uncertain significance for Hereditary cancer-predisposing syndrome. Last evaluated: 2024-11-17. Review status: criteria provided, single submitter. Criteria: Ambry Variant Classification Scheme 2023. Collection method: clinical testing. Allele origin: germline.
Comment: The p.K584M variant (also known as c.1751A>T), located in coding exon 9 of the DICER1 gene, results from an A to T substitution at nucleotide position 1751. The lysine at codon 584 is replaced by methionine, an amino acid with similar properties. This amino acid position is conserved. In addition, the in silico prediction for this alteration is inconclusive. Based on the available evidence, the clinical significance of this variant remains unclear.